The following is an entry in ClinVar:

ClinVar aggregate classification (germline): Uncertain significance. Review status: criteria provided, multiple submitters, no conflicts (2 of 4 stars). 10 submissions from 10 submitters: Uncertain significance (9). 1 of the submissions does not count toward it. Last evaluated 2026-01-16.

Conditions:
Familial cancer of breast. Also called: hereditary breast carcinoma; BREAST CANCER, FAMILIAL; Hereditary breast cancer. Identifiers: Orphanet 227535, MedGen C0346153, MONDO:0016419, OMIM 114480. Disease mechanism: loss of function.
Ataxia-telangiectasia syndrome (AT). Also called: ATAXIA-TELANGIECTASIA, COMPLEMENTATION GROUP A; ATAXIA-TELANGIECTASIA, FRESNO VARIANT; Ataxia-telangiectasia; Ataxia-telangiectasia, complementation group E; Cerebello-oculocutaneous telangiectasia; Immunodeficiency with ataxia telangiectasia. Identifiers: Orphanet 100, MedGen C0004135, MONDO:0008840, OMIM 208900.
Hereditary cancer-predisposing syndrome. Also called: Hereditary Cancer Syndrome; Tumor predisposition; Neoplastic Syndromes, Hereditary; Hereditary neoplastic syndrome. Identifiers: Orphanet 140162, MedGen C0027672, MeSH D009386, MONDO:0015356.

Allele frequency attached by ClinVar (database versions not stated): gnomAD exomes 0.00010 and 0.00003; gnomAD 0.00001; TOPMed 0.00001.
gnomAD v4.1: 152 of 1,613,990 alleles (0.0094%); highest among the groups gnomAD compares: Non-Finnish European, 0.012%; no homozygotes.

Submissions (10):

Labcorp Genetics (formerly Invitae), Labcorp
Classification: Uncertain significance for Ataxia-telangiectasia syndrome. Last evaluated: 2026-01-16. Review status: criteria provided, single submitter. Criteria: Invitae Variant Classification Sherloc (09022015). Collection method: clinical testing. Allele origin: germline.
Comment: This sequence change replaces arginine, which is basic and polar, with histidine, which is basic and polar, at codon 2161 of the ATM protein (p.Arg2161His). This variant is present in population databases (rs756626462, gnomAD 0.004%). This missense change has been observed in individual(s) with ATM-related conditions (PMID: 31465090, 35047863, 36315919). ClinVar contains an entry for this variant (Variation ID: 185236). Invitae Evidence Modeling of protein sequence and biophysical properties (such as structural, functional, and spatial information, amino acid conservation, physicochemical variation, residue mobility, and thermodynamic stability) indicates that this missense variant is not expected to disrupt ATM protein function with a negative predictive value of 95%. In summary, the available evidence is currently insufficient to determine the role of this variant in disease. Therefore, it has been classified as a Variant of Uncertain Significance.

Quest Diagnostics Nichols Institute San Juan Capistrano
Classification: Uncertain significance. Last evaluated: 2025-10-22. Review status: criteria provided, single submitter. Criteria: Quest Diagnostics criteria. Collection method: clinical testing. Allele origin: unknown.

Ambry Genetics
Classification: Uncertain significance for Hereditary cancer-predisposing syndrome. Last evaluated: 2025-06-27. Review status: criteria provided, single submitter. Criteria: Ambry Variant Classification Scheme 2023. Collection method: clinical testing. Allele origin: germline.
Comment: The p.R2161H variant (also known as c.6482G>A), located in coding exon 44 of the ATM gene, results from a G to A substitution at nucleotide position 6482. The arginine at codon 2161 is replaced by histidine, an amino acid with highly similar properties. This alteration has been identified in individuals diagnosed with breast cancer and in disease-free controls (Tavtigian SV et al. Am. J. Hum. Genet. 2009 Oct;85:427-46; Decker B et al. J Med Genet, 2017 11;54:732-741; Momozawa Y et al. Nat Commun, 2018 10;9:4083; Stuttgen K et al. JAMA Oncol, 2019 Oct;5:1506-1508; Weitzel JN et al. Cancer, 2019 Aug;125:2829-2836). This amino acid position is poorly conserved in available vertebrate species. In addition, this alteration is predicted to be tolerated by in silico analysis. Since supporting evidence is limited at this time, the clinical significance of this alteration remains unclear.

Women's Health and Genetics/Laboratory Corporation of America, LabCorp
Classification: Uncertain significance. Last evaluated: 2025-06-09. Review status: criteria provided, single submitter. Criteria: LabCorp Variant Classification Summary - May 2015. Collection method: clinical testing. Allele origin: germline.
Comment: Variant summary: ATM c.6482G>A (p.Arg2161His) results in a non-conservative amino acid change in the encoded protein sequence. Algorithms developed to predict the effect of missense changes on protein structure and function are either unavailable or do not agree on the potential impact of this missense change. The variant allele was found at a frequency of 3.2e-05 in 251432 control chromosomes. The available data on variant occurrences in the general population are insufficient to allow any conclusion about variant significance. c.6482G>A has been observed in individual(s) affected with metastatic breast cancer, pancreatic cancer and chronic lymphocytic leukemia (example, Lampson_2023, Stuttgen_2019, Yu_2022). These report(s) do not provide unequivocal conclusions about association of the variant with Ataxia-Telangiectasia and other ATM-related diseases. To our knowledge, no experimental evidence demonstrating an impact on protein function has been reported. The following publications have been ascertained in the context of this evaluation (PMID: 36315919, 31465090, 35047863). ClinVar contains an entry for this variant (Variation ID: 185236). Based on the evidence outlined above, the variant was classified as uncertain significance.

Institute for Biomarker Research, Medical Diagnostic Laboratories, L.L.C.
Classification: Uncertain significance for Hereditary cancer-predisposing syndrome. Last evaluated: 2025-04-10. Review status: criteria provided, single submitter. Criteria: ACMG Guidelines, 2015. Collection method: clinical testing. Allele origin: germline.
Comment: The missense variant NM_000051.4(ATM):c.6482G>A (p.Arg2161His) has not been reported previously as a pathogenic variant nor as a benign variant, to our knowledge. There is a small physicochemical difference between arginine and histidine, which is not likely to impact secondary protein structure as these residues share similar properties. The gene ATM has a low rate of benign missense variation as indicated by a high missense variants Z-Score of 2.52. The gene ATM contains 173 pathogenic missense variants, indicating that missense variants are a common mechanism of disease in this gene. For these reasons, this variant has been classified as Uncertain Significance.

Color Diagnostics, LLC DBA Color Health
Classification: Uncertain significance for Hereditary cancer-predisposing syndrome. Last evaluated: 2024-08-06. Review status: criteria provided, single submitter. Criteria: ACMG Guidelines, 2015. Collection method: clinical testing. Allele origin: germline.
Comment: This missense variant replaces arginine with histidine at codon 2161 of the ATM protein. Computational prediction suggests that this variant may not impact protein structure and function. To our knowledge, functional studies have not been reported for this variant. This variant has been reported in an individual affected with metastatic breast cancer (PMID: 31465090). This variant has been identified in 9/282800 chromosomes in the general population by the Genome Aggregation Database (gnomAD). The available evidence is insufficient to determine the role of this variant in disease conclusively. Therefore, this variant is classified as a Variant of Uncertain Significance.

Fulgent Genetics
Classification: Uncertain significance for Familial cancer of breast; Ataxia-telangiectasia syndrome. Last evaluated: 2024-03-26. Review status: criteria provided, single submitter. Criteria: ACMG Guidelines, 2015. Collection method: clinical testing. Allele origin: germline.

GeneDx
Classification: Uncertain significance. Last evaluated: 2023-11-02. Review status: criteria provided, single submitter. Criteria: GeneDx Variant Classification Process June 2021. Collection method: clinical testing. Allele origin: germline. Affected: yes.
Comment: Not observed at significant frequency in large population cohorts (gnomAD); In silico analysis supports that this missense variant does not alter protein structure/function; Observed in individuals with breast or pancreatic cancer, but also in unaffected controls (PMID: 30287823, 31465090, 35047863, 31206626, 28779002); This variant is associated with the following publications: (PMID: 19781682, 26353884, 26787654, 23718828, 30287823, 31465090, 35047863, 23532176, 28779002, 36243179, 31206626)

Baylor Genetics
Classification: Uncertain significance for Familial cancer of breast. Last evaluated: 2023-10-19. Review status: criteria provided, single submitter. Criteria: ACMG Guidelines, 2015. Collection method: clinical testing. Allele origin: unknown.

Natera, Inc.
Classification: Uncertain significance for Ataxia-telangiectasia. Last evaluated: 2020-09-16. Review status: no assertion criteria provided. Collection method: clinical testing. Allele origin: germline. Not counted in ClinVar's aggregate classification.

Literature cited by the submitters: PubMed 31465090 (cited by 4 submitters); PubMed 35047863 (cited by Labcorp Genetics (formerly Invitae), Labcorp and Women's Health and Genetics/Laboratory Corporation of America, LabCorp); PubMed 36315919 (cited by Labcorp Genetics (formerly Invitae), Labcorp and Women's Health and Genetics/Laboratory Corporation of America, LabCorp); PubMed 19781682 (cited by Ambry Genetics); PubMed 28779002 (cited by Ambry Genetics); PubMed 30287823 (cited by Ambry Genetics); PubMed 31206626 (cited by Ambry Genetics).

NM_000051.4(ATM):c.6482G>A (p.Arg2161His)

Genes: ATM (ATM serine/threonine kinase; plus strand), C11orf65 (chromosome 11 open reading frame 65; minus strand). Cytogenetic location: 11q22.3.
Variant type: single nucleotide variant.
Coding change: c.6482G>A on transcript NM_000051.4 (MANE Select); coding-DNA position 6482, G replaced by A.
Protein change: p.Arg2161His; replaces arginine 2161 with histidine.
Molecular consequence: missense variant. On other transcripts: intron variant (2).
Genome position (GRCh38, 1-based): chr11:108,321,330, G>A. VCF-style: chr11-108321330-G-A. GRCh37 (hg19) VCF-style: chr11-108192057-G-A.
Other names: c.6482G>A, p.Arg2161His (NM_001351834.2); c.641-12259C>T (NM_001330368.2); c.*39-12259C>T (NM_001351110.2); short protein forms R2161H.
Identifiers: ClinVar variation 185236 (VCV000185236.29), dbSNP rs756626462, ClinGen allele CA191402.
Genomic context (GRCh38, chr11:108,321,330, plus strand): 5'-TTTCAGAGTGTCTTTTCTTTTTTGCTACTAGAGTAAAAGAAGTGGAAGAGATGTGTAAGC[G>A]CAGCCTTGAGTCTGTGTATTCGCTCTATCCCACACTTAGCAGGTTGCAGGCCATTGGAGA-3'
Protein context (NP_000042.3, residues 2151-2171): RVKEVEEMCK[Arg2161His]SLESVYSLYP